The following is an entry in ClinVar:

ClinVar aggregate classification (germline): Pathogenic (1 of 4 stars; one submission).

Conditions:
Mucopolysaccharidosis type 1. Also called: IDUA deficiency; MPS I; Mucopolysaccharidosis Type I. Identifiers: Orphanet 579, MedGen C0023786, MONDO:0001586.

Submission:

Myriad Genetics, Inc.
Classification: Pathogenic for Mucopolysaccharidosis type 1. Last evaluated: 2023-09-27. Review status: criteria provided, single submitter. Criteria: Myriad Autosomal Dominant, Autosomal Recessive and X-Linked Classification Criteria (2023). Collection method: clinical testing. Allele origin: unknown.
Comment: NM_000203.3(IDUA):c.112dupC(R38Pfs*25) is expected to be pathogenic in the context of mucopolysaccharidosis type I. This variant is predicted to lead to an abnormal or absent protein product due to the creation of a premature termination codon in IDUA, a gene where loss-of-function variants are known to be pathogenic. Please note: this variant was assessed in the context of healthy population screening.

NM_000203.5(IDUA):c.112dup (p.Arg38fs)

Genes: IDUA (alpha-L-iduronidase; plus strand), SLC26A1 (solute carrier family 26 member 1; minus strand). Cytogenetic location: 4p16.3.
Variant type: Duplication.
Coding change: c.112dup on transcript NM_000203.5 (MANE Select); coding-DNA position 112, one base duplicated (C; older notation c.112dupC).
Protein change: p.Arg38fs; shifts the reading frame from arginine 38.
Molecular consequence: frameshift variant. On other transcripts: non-coding transcript variant (1), intron variant (1).
Genome position (GRCh38, 1-based): chr4:987,196, C duplicated; the last of 3 consecutive C bases (chr4:987,194-987,196); duplicating any one gives the same sequence. VCF-style (leftmost placement, unchanged base first): chr4-987193-G-GC. GRCh37 (hg19) VCF-style: chr4-980981-G-GC.
Other names: c.576+3934dup (NM_134425.4); short protein forms R38fs.
Identifiers: ClinVar variation 5012123 (VCV005012123.1).